The following is an entry in ClinVar:

ClinVar aggregate classification (germline): Likely pathogenic (1 of 4 stars; one submission).

Allele frequency attached by ClinVar (database versions not stated): gnomAD exomes below 0.00001; ExAC 0.00001; TOPMed 0.00001; ESP Exome Variant Server 0.00008.

Submission:

Labcorp Genetics (formerly Invitae), Labcorp
Classification: Likely pathogenic. Last evaluated: 2023-05-20. Review status: criteria provided, single submitter. Criteria: Invitae Variant Classification Sherloc (09022015). Collection method: clinical testing. Allele origin: germline.
Comment: In summary, the currently available evidence indicates that the variant is pathogenic, but additional data are needed to prove that conclusively. Therefore, this variant has been classified as Likely Pathogenic. Algorithms developed to predict the effect of sequence changes on RNA splicing suggest that this variant may disrupt the consensus splice site. This variant has not been reported in the literature in individuals affected with TBCE-related conditions. This variant is present in population databases (rs377061675, gnomAD 0.008%). This sequence change affects a donor splice site in intron 4 of the TBCE gene. It is expected to disrupt RNA splicing. Variants that disrupt the donor or acceptor splice site typically lead to a loss of protein function (PMID: 16199547), and loss-of-function variants in TBCE are known to be pathogenic (PMID: 27666369, 34134906, 34356170).

Literature cited by the submitters: PubMed 16199547; PubMed 27666369; PubMed 34134906; PubMed 34356170.

NM_003193.5(TBCE):c.371+1G>A

Gene: TBCE (tubulin folding cofactor E; plus strand). Cytogenetic location: 1q42.3.
Variant type: single nucleotide variant.
Coding change: c.371+1G>A on transcript NM_003193.5 (MANE Select); the canonical splice donor site of the intron after coding-DNA position 371, G replaced by A.
Molecular consequence: splice donor variant.
Genome position (GRCh38, 1-based): chr1:235,414,619, G>A. VCF-style: chr1-235414619-G-A. GRCh37 (hg19) VCF-style: chr1-235577934-G-A.
Other names: c.371+1G>A (NM_001079515.3, NM_001287801.2); c.-25+1G>A (NM_001287802.2).
Identifiers: ClinVar variation 2789253 (VCV002789253.3), dbSNP rs377061675, ClinGen allele CA1464004.